The following is an entry in ClinVar:

ClinVar aggregate classification (germline): Conflicting classifications of pathogenicity. Review status: criteria provided, conflicting classifications (1 of 4 stars). 2 submissions from 2 submitters: Likely pathogenic (1); Uncertain significance (1). Last evaluated 2025-04-08.

Conditions:
Glycogen storage disease type III (GSD3). Also called: FORBES DISEASE; Cori disease. Identifiers: Orphanet 366, MedGen C0017922, MONDO:0009291, OMIM 232400.

Submissions (2):

Women's Health and Genetics/Laboratory Corporation of America, LabCorp
Classification: Uncertain significance. Last evaluated: 2025-04-08. Review status: criteria provided, single submitter. Criteria: LabCorp Variant Classification Summary - May 2015. Collection method: clinical testing. Allele origin: germline.
Comment: Variant summary: AGL c.1734A>T (p.Arg578Ser) results in a non-conservative amino acid change in the encoded protein sequence. Five of five in-silico tools predict a damaging effect of the variant on protein function. Several computational tools predict a significant impact on normal splicing: Three predict the variant weakens a 5' donor site. However, these predictions have yet to be confirmed by functional studies. The variant was absent in 251302 control chromosomes. The available data on variant occurrences in the general population are insufficient to allow any conclusion about variant significance. c.1734A>T has been reported in the literature in an individual affected with Glycogen Storage Disease (Sperb-Ludwig_2019). This report does not provide unequivocal conclusions about association of the variant with Glycogen Storage Disease Type III. To our knowledge, no experimental evidence demonstrating an impact on protein function has been reported. The following publication has been ascertained in the context of this evaluation (PMID: 31508908). ClinVar contains an entry for this variant (Variation ID: 801522). Based on the evidence outlined above, the variant was classified as uncertain significance.

Mendelics
Classification: Likely pathogenic for Glycogen storage disease type III. Last evaluated: 2019-05-28. Review status: criteria provided, single submitter. Criteria: Mendelics Assertion Criteria 2017. Collection method: clinical testing. Allele origin: unknown.

Literature cited by the submitters: PubMed 31508908 (cited by Women's Health and Genetics/Laboratory Corporation of America, LabCorp).

NM_000642.3(AGL):c.1734A>T (p.Arg578Ser)

Gene: AGL (amylo-alpha-1,6-glucosidase and 4-alpha-glucanotransferase; plus strand). Cytogenetic location: 1p21.2.
Variant type: single nucleotide variant.
Coding change: c.1734A>T on transcript NM_000642.3 (MANE Select); coding-DNA position 1734, A replaced by T.
Protein change: p.Arg578Ser; replaces arginine 578 with serine.
Molecular consequence: missense variant.
Genome position (GRCh38, 1-based): chr1:99,880,045, A>T. VCF-style: chr1-99880045-A-T. GRCh37 (hg19) VCF-style: chr1-100345601-A-T.
Other names: c.1734A>T, p.Arg578Ser (NM_000028.3, NM_000643.3, NM_000644.3 and 2 more transcripts); c.1686A>T, p.Arg562Ser (NM_000646.3); c.1533A>T, p.Arg511Ser (NM_001425327.1); c.1530A>T, p.Arg510Ser (NM_001425328.1, NM_001425329.1); c.1356A>T, p.Arg452Ser (NM_001425332.1); short protein forms R578S, R562S, R452S, R510S, R511S.
Identifiers: ClinVar variation 801522 (VCV000801522.3), dbSNP rs1570442236, ClinGen allele CA341316038.
Genomic context (GRCh38, chr1:99,880,045, plus strand): 5'-AGGAAGTGAAGATCTGGACAATGTCTTTGTTACTAGACTGGGCATTAGTTCCTTAATAAG[A>T]GGTAGGCTTGTTGGAGTGTATTTCCCTCTAAAACTTTAGCTTTTGTTTAAGTAGATTAAA-3'
Protein context (NP_000633.2, residues 568-588): VTRLGISSLI[Arg578Ser]EAMSAYNSHE